The following is an entry in ClinVar:

ClinVar aggregate classification (germline): not provided (0 of 4 stars; one submission).

Submission:

ITMI
No classification provided. Condition: AllHighlyPenetrant. Last evaluated: 2013-09-19. Review status: no classification provided. Collection method: reference population. Allele origin: germline.
Comment: Please see associated publication for description of ethnicities

Literature cited by the submitters: PubMed 24728327.

NM_021922.3(FANCE):c.1074dup (p.Asn359fs)

Gene: FANCE (FA complementation group E; plus strand). Cytogenetic location: 6p21.31.
Variant type: Duplication.
Coding change: c.1074dup on transcript NM_021922.3 (MANE Select); coding-DNA position 1074, one base duplicated (C; older notation c.1074dupC).
Protein change: p.Asn359fs; shifts the reading frame from asparagine 359.
Molecular consequence: frameshift variant.
Genome position (GRCh38, 1-based): chr6:35,458,401, C duplicated. VCF-style (leftmost placement, unchanged base first): chr6-35458400-G-GC. GRCh37 (hg19) VCF-style: chr6-35426177-G-GC.
Other names: short protein forms N359fs.
Identifiers: ClinVar variation 134337 (VCV000134337.1), dbSNP rs587778338, ClinGen allele CA159538.